The following is an entry in ClinVar:

NM_005045.4(RELN):c.7571G>A (p.Arg2524Gln)

Gene: RELN (reelin; minus strand). Cytogenetic location: 7q22.1.
Variant type: single nucleotide variant.
Coding change: c.7571G>A on transcript NM_005045.4 (MANE Select); coding-DNA position 7571, G replaced by A.
Protein change: p.Arg2524Gln; replaces arginine 2524 with glutamine.
Molecular consequence: missense variant.
Genome position (GRCh38, 1-based): chr7:103,522,119, C>T on the plus strand (G>A on the coding strand, the complement: RELN is on the minus strand). VCF-style: chr7-103522119-C-T. GRCh37 (hg19) VCF-style: chr7-103162566-C-T.
Other names: c.7571G>A, p.Arg2524Gln (NM_173054.3); short protein forms R2524Q.
Identifiers: ClinVar variation 393204 (VCV000393204.2), dbSNP rs777611799, ClinGen allele CA4420710.

ClinVar aggregate classification (germline): Uncertain significance (1 of 4 stars; one submission).

Allele frequency attached by ClinVar (database versions not stated): TOPMed below 0.00001; ExAC 0.00001; gnomAD 0.00001; gnomAD exomes 0.00001.

Submission:

GeneDx
Classification: Uncertain significance. Last evaluated: 2017-01-31. Review status: criteria provided, single submitter. Criteria: GeneDx Variant Classification (06012015). Collection method: clinical testing. Allele origin: germline. Affected: yes.
Comment: A variant of uncertain significance has been identified in the RELN gene. The R2524Q variant has not been published as a pathogenic variant, nor has it been reported as a benign variant to our knowledge. The R2524Q variant is not observed at a significant frequency in large population cohorts (Lek et al., 2016; 1000 Genomes Consortium et al., 2015; Exome Variant Server). The R2524Q variant is a semi-conservative amino acid substitution, which may impact secondary protein structure as these residues differ in some properties. This substitution occurs at a position that is conserved across species. However, in silico analysis is inconsistent in its predictions as to whether or not the variant is damaging to the protein structure/function. Therefore, based on the currently available information, it is unclear whether this variant is a pathogenic variant or a rare benign variant.